The following is an entry in ClinVar:

ClinVar aggregate classification (germline): Uncertain significance (1 of 4 stars; one submission).

Submission:

Labcorp Genetics (formerly Invitae), Labcorp
Classification: Uncertain significance. Last evaluated: 2022-06-01. Review status: criteria provided, single submitter. Criteria: Invitae Variant Classification Sherloc (09022015). Collection method: clinical testing. Allele origin: germline.
Comment: This variant has not been reported in the literature in individuals affected with TRAPPC6B-related conditions. This variant is not present in population databases (gnomAD no frequency). This sequence change falls in intron 2 of the TRAPPC6B gene. It does not directly change the encoded amino acid sequence of the TRAPPC6B protein. It affects a nucleotide within the consensus splice site. Variants that disrupt the consensus splice site are a relatively common cause of aberrant splicing (PMID: 17576681, 9536098). Algorithms developed to predict the effect of sequence changes on RNA splicing suggest that this variant is not likely to affect RNA splicing. In summary, the available evidence is currently insufficient to determine the role of this variant in disease. Therefore, it has been classified as a Variant of Uncertain Significance.

Literature cited by the submitters: PubMed 17576681; PubMed 9536098.

NM_001079537.2(TRAPPC6B):c.150-3T>C

Gene: TRAPPC6B (trafficking protein particle complex subunit 6B; minus strand). Cytogenetic location: 14q21.1.
Variant type: single nucleotide variant.
Coding change: c.150-3T>C on transcript NM_001079537.2 (MANE Select); 3 bases into the intron before coding-DNA position 150, T replaced by C.
Molecular consequence: intron variant.
Genome position (GRCh38, 1-based): chr14:39,158,405, A>G on the plus strand (T>C on the coding strand, the complement: TRAPPC6B is on the minus strand). VCF-style: chr14-39158405-A-G. GRCh37 (hg19) VCF-style: chr14-39627609-A-G.
Other names: c.150-3T>C (NM_177452.4).
Identifiers: ClinVar variation 1997102 (VCV001997102.4), dbSNP rs2548691163, ClinGen allele CA2580088086.